The following is an entry in ClinVar:

NM_003072.5(SMARCA4):c.3484G>A (p.Gly1162Ser)

Gene: SMARCA4 (SWI/SNF related BAF chromatin remodeling complex subunit ATPase 4; plus strand). Cytogenetic location: 19p13.2.
Variant type: single nucleotide variant.
Coding change: c.3484G>A on transcript NM_003072.5 (MANE Select); coding-DNA position 3484, G replaced by A.
Protein change: p.Gly1162Ser; replaces glycine 1162 with serine.
Molecular consequence: missense variant. On other transcripts: non-coding transcript variant (1).
Genome position (GRCh38, 1-based): chr19:11,030,831, G>A. VCF-style: chr19-11030831-G-A. GRCh37 (hg19) VCF-style: chr19-11141507-G-A.
Other names: c.3484G>A, p.Gly1162Ser (NM_001128844.3, NM_001128845.2, NM_001128846.2 and 6 more transcripts); short protein forms G1162S.
Identifiers: ClinVar variation 4530272 (VCV004530272.2).

ClinVar aggregate classification (somatic clinical impact): Tier I - Strong. Review status: criteria provided, single submitter (1 of 4 stars). 2 submissions from 1 submitter. 1 of the submissions does not count toward it. Last evaluated 2023-12-07.
ClinVar aggregate classification (oncogenicity): Uncertain significance (1 of 4 stars; one submission).

Conditions:
Neuroblastoma (NB). Identifiers: Orphanet 635, MedGen C0027819, MeSH D009447, MONDO:0005072, HP:0003006.
Medulloblastoma WNT activated. Identifiers: MedGen C4331965, MONDO:0850196.
Neoplasm. Also called: Neoplasms; Neoplasm (disease); tumor. Identifiers: MedGen C0027651, MeSH D009369, MONDO:0005070, HP:0002664.

Submissions (3):

Center for Genomic Medicine, Rigshospitalet, Copenhagen University Hospital
Classification: Uncertain significance for Neoplasm. Last evaluated: 2026-10-16. Review status: criteria provided, single submitter. Criteria: ClinGen/CGC/VICC Guidelines for Oncogenicity, 2022. Collection method: clinical testing. Allele origin: somatic. Affected: yes.

Institute for Genomic Medicine (IGM) Clinical Laboratory, Nationwide Children's Hospital
Classification: Tier II - Potential for Neuroblastoma. Assertion type: diagnostic. Clinical significance: supports diagnosis. Last evaluated: 2025-05-19. Review status: criteria provided, single submitter. Criteria: AMP/ASCO/CAP Guidelines, 2017. Collection method: clinical testing. Allele origin: somatic. Affected: yes. Not counted in ClinVar's aggregate classification.
Comment: Variant has Tier II (potential) clinical significance as a diagnostic inclusion criterion in neuroblastoma, based on the following evidence: 1) Documented in one or more cancer databases (e.g., St. Jude Pecan, COSMIC, CIViC, OncoKB). 2) Diagnostic significance based on multiple small studies (Evidence Level C; PMIDs: 31018240, 33056981, 29992558, 36813544).

Institute for Genomic Medicine (IGM) Clinical Laboratory, Nationwide Children's Hospital
Classification: Tier I - Strong for Medulloblastoma WNT activated. Assertion type: diagnostic. Clinical significance: supports diagnosis. Last evaluated: 2023-12-07. Review status: criteria provided, single submitter. Criteria: AMP/ASCO/CAP Guidelines, 2017. Collection method: clinical testing. Allele origin: somatic. Affected: yes.
Comment: Variant has Tier I (strong) clinical significance as a diagnostic inclusion criterion in medulloblastoma WNT activated, based on the following evidence: 1) Diagnostic for a specific tumor type/classification based on well-powered studies with expert-level consensus (Evidence Level B; PMIDs: 21163964, 28726821, 22820256, 22832583, 22722829).

Literature cited by the submitters: PubMed 31018240 (cited by Institute for Genomic Medicine (IGM) Clinical Laboratory, Nationwide Children's Hospital); PubMed 33056981 (cited by Institute for Genomic Medicine (IGM) Clinical Laboratory, Nationwide Children's Hospital); PubMed 29992558 (cited by Institute for Genomic Medicine (IGM) Clinical Laboratory, Nationwide Children's Hospital); PubMed 36813544 (cited by Institute for Genomic Medicine (IGM) Clinical Laboratory, Nationwide Children's Hospital); PubMed 21163964 (cited by Institute for Genomic Medicine (IGM) Clinical Laboratory, Nationwide Children's Hospital); PubMed 28726821 (cited by Institute for Genomic Medicine (IGM) Clinical Laboratory, Nationwide Children's Hospital); PubMed 22820256 (cited by Institute for Genomic Medicine (IGM) Clinical Laboratory, Nationwide Children's Hospital); PubMed 22832583 (cited by Institute for Genomic Medicine (IGM) Clinical Laboratory, Nationwide Children's Hospital); PubMed 22722829 (cited by Institute for Genomic Medicine (IGM) Clinical Laboratory, Nationwide Children's Hospital).